The following is an entry in ClinVar:

ClinVar aggregate classification (germline): Uncertain significance. Review status: criteria provided, multiple submitters, no conflicts (2 of 4 stars). 2 submissions from 2 submitters: Uncertain significance (2). Last evaluated 2025-05-06.

Conditions:
Brunet-Wagner neurodevelopmental syndrome (BRUWAG). Identifiers: MedGen C5562056, MONDO:0859217, OMIM 619690.

Allele frequency attached by ClinVar (database versions not stated): TOPMed 0.00002; gnomAD exomes 0.00004; gnomAD 0.00005; ExAC 0.00006.
gnomAD v4.1: 59 of 1,614,056 alleles (0.0037%); highest among the groups gnomAD compares: Non-Finnish European, 0.0042%; no homozygotes.

Submissions (2):

Ambry Genetics
Classification: Uncertain significance. Last evaluated: 2025-05-06. Review status: criteria provided, single submitter. Criteria: Ambry Variant Classification Scheme 2023. Collection method: clinical testing. Allele origin: germline.

Pittsburgh Clinical Genomics Laboratory, University of Pittsburgh Medical Center
Classification: Uncertain significance for Brunet-Wagner neurodevelopmental syndrome. Last evaluated: 2022-07-15. Review status: criteria provided, single submitter. Criteria: ACMG Guidelines, 2015. Collection method: clinical testing. Allele origin: germline. Inheritance: Autosomal recessive inheritance. Affected: yes.
Comment: This sequence variant is a single nucleotide substitution (C>T) at coding nucleotide position 2095 of the RBL2 gene which results in a proline to serine amino acid change at residue 699 in the RBL2 protein. This has not been reported in clinical genetics databases or observed in the medical literature in individuals with RBL2-related disease, to our knowledge. This variant is present in the gnomAD control population dataset (13/282724 alleles, 0.005%). Multiple bioinformatic tools predict that this amino acid change is likely to be tolerated. Proline is conserved at this protein location in most mammals, though serine is present in a few mammals and multiple other vertebrates. Functiol studies testing the effects of this variant have not been performed, to our knowledge. At this time, there is insufficient evidence to determine if this variant is pathogenic or benign. Therefore, we consider it to be a variant of uncertain significance. ACMG Criteria: BP4, PM2

NM_005611.4(RBL2):c.2095C>T (p.Pro699Ser)

Gene: RBL2 (RB transcriptional corepressor like 2; plus strand). Cytogenetic location: 16q12.2.
Variant type: single nucleotide variant.
Coding change: c.2095C>T on transcript NM_005611.4 (MANE Select); coding-DNA position 2095, C replaced by T.
Protein change: p.Pro699Ser; replaces proline 699 with serine.
Molecular consequence: missense variant.
Genome position (GRCh38, 1-based): chr16:53,470,035, C>T. VCF-style: chr16-53470035-C-T. GRCh37 (hg19) VCF-style: chr16-53503947-C-T.
Other names: c.2095C>T, p.Pro699Ser (NM_001323608.2, NM_001323609.2, NM_001323610.2); c.1873C>T, p.Pro625Ser (NM_001323611.1); short protein forms P625S, P699S.
Identifiers: ClinVar variation 2412387 (VCV002412387.4), dbSNP rs766382060, ClinGen allele CA8056483.